The following is an entry in ClinVar:

NM_018489.3(ASH1L):c.251A>G (p.Asn84Ser)

Gene: ASH1L (ASH1 like histone lysine methyltransferase; minus strand). Cytogenetic location: 1q22.
Variant type: single nucleotide variant.
Coding change: c.251A>G on transcript NM_018489.3 (MANE Select); coding-DNA position 251, A replaced by G.
Protein change: p.Asn84Ser; replaces asparagine 84 with serine.
Molecular consequence: missense variant.
Genome position (GRCh38, 1-based): chr1:155,521,269, T>C on the plus strand (A>G on the coding strand, the complement: ASH1L is on the minus strand). VCF-style: chr1-155521269-T-C. GRCh37 (hg19) VCF-style: chr1-155491060-T-C.
Other names: c.251A>G, p.Asn84Ser (NM_001366177.2); short protein forms N84S.
Identifiers: ClinVar variation 1028597 (VCV001028597.1), dbSNP rs1668868551, ClinGen allele CA342714561.
Genomic context (GRCh38, chr1:155,521,269, plus strand): 5'-TCCAAGTTCTTTGGAGGTTTTTTAGTTCTCTTAGCCTGGAGGCCAATTTTCAATTTTAAA[T>C]TTCCCTCTGAAAAGTTTGTTTCTTTCACTGAAAACTGTTGCTGTGCATCAGTCAAACCAT-3'
Protein context (NP_060959.2, residues 74-94): SVKETNFSEG[Asn84Ser]LKLKIGLQAK

ClinVar aggregate classification (germline): Uncertain significance (1 of 4 stars; one submission).

Conditions:
Intellectual developmental disorder, autosomal dominant 52. Also called: Mental retardation, autosomal dominant 52; Intellectual disability, autosomal dominant 52. Identifiers: MedGen C4540478, MONDO:0030918, OMIM 617796.

Submission:

Baylor Genetics
Classification: Uncertain significance for Intellectual developmental disorder, autosomal dominant 52. Last evaluated: 2020-01-23. Review status: criteria provided, single submitter. Criteria: ACMG Guidelines, 2015. Collection method: clinical testing. Allele origin: unknown. Affected: yes.
Comment: This variant was determined to be of uncertain significance according to ACMG Guidelines, 2015 [PMID:25741868].